The following is an entry in ClinVar:

NM_004006.3(DMD):c.1177C>T (p.Gln393Ter)

Gene: DMD (dystrophin; minus strand). Cytogenetic location: Xp21.1.
Variant type: single nucleotide variant.
Coding change: c.1177C>T on transcript NM_004006.3 (MANE Select); coding-DNA position 1177, C replaced by T.
Protein change: p.Gln393Ter; replaces glutamine 393 with a stop codon.
Molecular consequence: nonsense.
Genome position (GRCh38, 1-based): chrX:32,644,286, G>A on the plus strand (C>T on the coding strand, the complement: DMD is on the minus strand). VCF-style: chrX-32644286-G-A. GRCh37 (hg19) VCF-style: chrX-32662403-G-A.
Other names: c.1153C>T, p.Gln385Ter (NM_000109.4); c.1165C>T, p.Gln389Ter (NM_004009.3); c.808C>T, p.Gln270Ter (NM_004010.3); short protein forms Q270*, Q385*, Q389*, Q393*.
Identifiers: ClinVar variation 2884100 (VCV002884100.3), dbSNP rs2146821938, ClinGen allele CA412661370.
Genomic context (GRCh38, chrX:32,644,286, plus strand): 5'-ATAATTTTCCTGTTCCAATCAGCTTACTTCCCAATTGTAGAATATTACCAACCCGGCCCT[G>A]ATGGGCTGTCAAATCCATCATGTACCCCTGACAAAGAAGGAAGTTAACAATTGTAATTAG-3'

ClinVar aggregate classification (germline): Pathogenic (1 of 4 stars; one submission).

Conditions:
Duchenne muscular dystrophy (DMD). Also called: MUSCULAR DYSTROPHY, PSEUDOHYPERTROPHIC PROGRESSIVE, DUCHENNE TYPE; Duchenne Muscular Dystrophy (DMD). Identifiers: Orphanet 98896, MedGen C0013264, MONDO:0010679, OMIM 310200.

Submission:

Labcorp Genetics (formerly Invitae), Labcorp
Classification: Pathogenic for Duchenne muscular dystrophy. Last evaluated: 2024-03-08. Review status: criteria provided, single submitter. Criteria: Invitae Variant Classification Sherloc (09022015). Collection method: clinical testing. Allele origin: germline.
Comment: This sequence change creates a premature translational stop signal (p.Gln393*) in the DMD gene. It is expected to result in an absent or disrupted protein product. Loss-of-function variants in DMD are known to be pathogenic (PMID: 16770791, 25007885). This variant is not present in population databases (gnomAD no frequency). This premature translational stop signal has been observed in individual(s) with Duchenne muscular dystrophy (PMID: 30833962). For these reasons, this variant has been classified as Pathogenic.

Literature cited by the submitters: PubMed 16770791; PubMed 25007885; PubMed 30833962.